The following is an entry in ClinVar:

ClinVar aggregate classification (germline): Likely pathogenic (1 of 4 stars; one submission).

Submission:

Labcorp Genetics (formerly Invitae), Labcorp
Classification: Likely pathogenic. Last evaluated: 2022-10-27. Review status: criteria provided, single submitter. Criteria: Invitae Variant Classification Sherloc (09022015). Collection method: clinical testing. Allele origin: germline.
Comment: This sequence change affects an acceptor splice site in intron 103 of the COL7A1 gene. It is expected to disrupt splicing. Variants that disrupt the donor or acceptor splice site typically lead to a loss of protein function (PMID: 16199547), and loss-of-function variants in COL7A1 are known to be disease-causing for autosomal recessive dystrophic epidermolysis bullosa (PMID: 16971478). However, certain variants affecting donor or acceptor splice sites in the triple helical domain of COL7A1 are expected to result in in-frame exon skipping and have been reported to cause autosomal dominant dystrophic epidermolysis bullosa (PMID: 31670143). This variant is not present in population databases (gnomAD no frequency). In summary, the currently available evidence indicates that the variant is pathogenic, but additional data are needed to prove that conclusively. Therefore, this variant has been classified as Likely Pathogenic. Algorithms developed to predict the effect of sequence changes on RNA splicing suggest that this variant may disrupt the consensus splice site. This variant has not been reported in the literature in individuals affected with COL7A1-related conditions.

Literature cited by the submitters: PubMed 16199547; PubMed 16971478; PubMed 31670143.

NM_000094.4(COL7A1):c.7759-2A>G

Gene: COL7A1 (collagen type VII alpha 1 chain; minus strand). Cytogenetic location: 3p21.31.
Variant type: single nucleotide variant.
Coding change: c.7759-2A>G on transcript NM_000094.4 (MANE Select); the canonical splice acceptor site of the intron before coding-DNA position 7759, A replaced by G.
Molecular consequence: splice acceptor variant.
Genome position (GRCh38, 1-based): chr3:48,568,536, T>C on the plus strand (A>G on the coding strand, the complement: COL7A1 is on the minus strand). VCF-style: chr3-48568536-T-C. GRCh37 (hg19) VCF-style: chr3-48605969-T-C.
Identifiers: ClinVar variation 2810013 (VCV002810013.3), dbSNP rs2043717214, ClinGen allele CA352642288.